The following is an entry in ClinVar:

ClinVar aggregate classification (germline): Uncertain significance (1 of 4 stars; one submission).

Submission:

Labcorp Genetics (formerly Invitae), Labcorp
Classification: Uncertain significance. Last evaluated: 2024-05-22. Review status: criteria provided, single submitter. Criteria: Invitae Variant Classification Sherloc (09022015). Collection method: clinical testing. Allele origin: germline.
Comment: This sequence change replaces lysine, which is basic and polar, with glutamine, which is neutral and polar, at codon 1112 of the LRRK1 protein (p.Lys1112Gln). This variant is not present in population databases (gnomAD no frequency). This variant has not been reported in the literature in individuals affected with LRRK1-related conditions. ClinVar contains an entry for this variant (Variation ID: 1488875). An algorithm developed to predict the effect of missense changes on protein structure and function (PolyPhen-2) suggests that this variant is likely to be disruptive. In summary, the available evidence is currently insufficient to determine the role of this variant in disease. Therefore, it has been classified as a Variant of Uncertain Significance.

NM_024652.6(LRRK1):c.3334A>C (p.Lys1112Gln)

Genes: LRRK1 (leucine rich repeat kinase 1; plus strand), LRRK1-AS1 (LRRK1 antisense RNA 1; minus strand). Cytogenetic location: 15q26.3.
Variant type: single nucleotide variant.
Coding change: c.3334A>C on transcript NM_024652.6 (MANE Select); coding-DNA position 3334, A replaced by C.
Protein change: p.Lys1112Gln; replaces lysine 1112 with glutamine.
Molecular consequence: missense variant.
Genome position (GRCh38, 1-based): chr15:101,049,678, A>C. VCF-style: chr15-101049678-A-C. GRCh37 (hg19) VCF-style: chr15-101589883-A-C.
Other names: short protein forms K1112Q.
Identifiers: ClinVar variation 1488875 (VCV001488875.8), dbSNP rs2141128456, ClinGen allele CA393951457.